The following is an entry in ClinVar:

NM_007294.4(BRCA1):c.1766G>A (p.Ser589Asn)

Gene: BRCA1 (BRCA1 DNA repair associated; minus strand). Cytogenetic location: 17q21.31.
Variant type: single nucleotide variant.
Coding change: c.1766G>A on transcript NM_007294.4 (MANE Select); coding-DNA position 1766, G replaced by A.
Protein change: p.Ser589Asn; replaces serine 589 with asparagine.
Molecular consequence: missense variant. On other transcripts: intron variant (137).
Genome position (GRCh38, 1-based): chr17:43,093,765, C>T on the plus strand (G>A on the coding strand, the complement: BRCA1 is on the minus strand). VCF-style: chr17-43093765-C-T. GRCh37 (hg19) VCF-style: chr17-41245782-C-T.
Other names: c.787+979G>A (NM_001407971.1, NM_001407981.1, NM_007298.4 and 19 more transcripts); c.790+976G>A (NM_001408406.1); c.646+979G>A (NM_001408456.1, NM_001408410.1, NM_001408458.1 and 11 more transcripts); c.643+979G>A (NM_001408465.1, NM_001408463.1, NM_001408462.1 and 3 more transcripts); c.577+979G>A (NM_001408482.1, NM_001408484.1, NM_001408478.1 and 9 more transcripts); c.520+979G>A (NM_001408504.1, NM_001408503.1, NM_001408505.1); c.523+979G>A (NM_001408499.1, NM_001408498.1, NM_001408501.1 and 3 more transcripts); c.670+2081G>A (NM_001408422.1, NM_001408418.1, NM_001408423.1 and 2 more transcripts); and 40 more; short protein forms S589N, S542N, S293N, S501N, S541N, S421N, S462N, S519N.
Identifiers: ClinVar variation 619784 (VCV000619784.15), dbSNP rs1567798335, ClinGen allele CA10598494.

ClinVar aggregate classification (germline): Conflicting classifications of pathogenicity. Review status: criteria provided, conflicting classifications (1 of 4 stars). 4 submissions from 4 submitters: Uncertain significance (3); Likely benign (1). Last evaluated 2024-01-01.

Conditions:
Hereditary cancer-predisposing syndrome. Also called: Tumor predisposition; Neoplastic Syndromes, Hereditary; Hereditary Cancer Syndrome; Hereditary neoplastic syndrome. Identifiers: Orphanet 140162, MedGen C0027672, MeSH D009386, MONDO:0015356.
Breast-ovarian cancer, familial, susceptibility to, 1 (BROVCA1). Also called: BRCA1 Hereditary Breast and Ovarian Cancer; OVARIAN CANCER, SUSCEPTIBILITY TO. Identifiers: Orphanet 145, MedGen C2676676, MONDO:0011450, OMIM 604370. Disease mechanism: loss of function.
Hereditary breast ovarian cancer syndrome. Also called: Hereditary breast and ovarian cancer; Hereditary breast and ovarian cancer syndrome; Hereditary breast and ovarian cancer syndrome (HBOC); Breast and ovarian cancer; BRCA1- and BRCA2-Associated Hereditary Breast and Ovarian Cancer; Hereditary breast and/or ovarian cancer syndrome. Identifiers: Orphanet 145, MedGen C0677776, MeSH D061325, MONDO:0003582. Disease mechanism: loss of function.

Submissions (4):

Labcorp Genetics (formerly Invitae), Labcorp
Classification: Uncertain significance for Hereditary breast ovarian cancer syndrome. Last evaluated: 2024-01-01. Review status: criteria provided, single submitter. Criteria: Invitae Variant Classification Sherloc (09022015). Collection method: clinical testing. Allele origin: germline.
Comment: This sequence change replaces serine, which is neutral and polar, with asparagine, which is neutral and polar, at codon 589 of the BRCA1 protein (p.Ser589Asn). This variant is not present in population databases (gnomAD no frequency). This variant has not been reported in the literature in individuals affected with BRCA1-related conditions. ClinVar contains an entry for this variant (Variation ID: 619784). Advanced modeling of protein sequence and biophysical properties (such as structural, functional, and spatial information, amino acid conservation, physicochemical variation, residue mobility, and thermodynamic stability) performed at Invitae indicates that this missense variant is not expected to disrupt BRCA1 protein function with a negative predictive value of 95%. In summary, the available evidence is currently insufficient to determine the role of this variant in disease. Therefore, it has been classified as a Variant of Uncertain Significance.

All of Us Research Program, National Institutes of Health
Classification: Uncertain significance for Breast-ovarian cancer, familial, susceptibility to, 1. Last evaluated: 2023-04-27. Review status: criteria provided, single submitter. Criteria: ACMG Guidelines, 2015. Collection method: clinical testing. Allele origin: germline. Inheritance: Autosomal dominant inheritance. Observed: 1 variant allele, 1 heterozygote.
Comment: This study involves interpretation of variants in research participants for the purpose of population health screening. Participant phenotype was not available at the time of variant classification. Additional details can be found in publication PMID: 35346344, PMCID: PMC8962531

University of Washington Department of Laboratory Medicine, University of Washington
Classification: Likely benign for Hereditary cancer-predisposing syndrome. Last evaluated: 2023-03-23. Review status: criteria provided, single submitter. Criteria: Dines et al. (Genet Med. 2020). Collection method: curation. Allele origin: germline.
Comment: Missense variant in a coldspot region where missense variants are very unlikely to be pathogenic (PMID:31911673).

BRCA1 coldspot (exon 11 using historical exon numbering). Reclassification based on statistical prior probability

Quest Diagnostics Nichols Institute San Juan Capistrano
Classification: Uncertain significance. Last evaluated: 2017-12-18. Review status: criteria provided, single submitter. Criteria: Quest Diagnostics criteria. Collection method: clinical testing. Allele origin: germline.